The following is an entry in ClinVar:

NM_015474.4(SAMHD1):c.76C>T (p.Pro26Ser)

Gene: SAMHD1 (SAM and HD domain containing deoxynucleoside triphosphate triphosphohydrolase 1; minus strand). Cytogenetic location: 20q11.23.
Variant type: single nucleotide variant.
Coding change: c.76C>T on transcript NM_015474.4 (MANE Select); coding-DNA position 76, C replaced by T.
Protein change: p.Pro26Ser; replaces proline 26 with serine.
Molecular consequence: missense variant.
Genome position (GRCh38, 1-based): chr20:36,951,568, G>A on the plus strand (C>T on the coding strand, the complement: SAMHD1 is on the minus strand). VCF-style: chr20-36951568-G-A. GRCh37 (hg19) VCF-style: chr20-35579971-G-A.
Other names: c.76C>T, p.Pro26Ser (NM_001363729.2, NM_001363733.2); short protein forms P26S.
Identifiers: ClinVar variation 1442175 (VCV001442175.5), dbSNP rs2146160814, ClinGen allele CA408832492.

ClinVar aggregate classification (germline): Uncertain significance (1 of 4 stars; one submission).

Conditions:
Aicardi-Goutieres syndrome 5. Identifiers: Orphanet 51, MedGen C2749659, MONDO:0013059, OMIM 612952.

Submission:

Labcorp Genetics (formerly Invitae), Labcorp
Classification: Uncertain significance for Aicardi-Goutieres syndrome 5. Last evaluated: 2021-08-26. Review status: criteria provided, single submitter. Criteria: Invitae Variant Classification Sherloc (09022015). Collection method: clinical testing. Allele origin: germline.
Comment: This sequence change replaces proline with serine at codon 26 of the SAMHD1 protein (p.Pro26Ser). The proline residue is weakly conserved and there is a moderate physicochemical difference between proline and serine. This variant is not present in population databases (ExAC no frequency). This variant has not been reported in the literature in individuals affected with SAMHD1-related conditions. Algorithms developed to predict the effect of missense changes on protein structure and function (SIFT, PolyPhen-2, Align-GVGD) all suggest that this variant is likely to be tolerated. In summary, the available evidence is currently insufficient to determine the role of this variant in disease. Therefore, it has been classified as a Variant of Uncertain Significance.